The following is an entry in ClinVar:

ClinVar aggregate classification (germline): Uncertain significance (1 of 4 stars; one submission).

Conditions:
Progressive sclerosing poliodystrophy (MTDPS4A). Also called: ALPERS PROGRESSIVE INFANTILE POLIODYSTROPHY; NEURONAL DEGENERATION OF CHILDHOOD WITH LIVER DISEASE, PROGRESSIVE; Alpers Syndrome; ALPERS DIFFUSE DEGENERATION OF CEREBRAL GRAY MATTER WITH HEPATIC CIRRHOSIS; Alpers-Huttenlocher Syndrome; Mitochondrial DNA depletion syndrome 4A (Alpers type). Identifiers: Orphanet 726, MedGen C0205710, MONDO:0008758, OMIM 203700.

Allele frequency attached by ClinVar (database versions not stated): TOPMed below 0.00001.

Submission:

Labcorp Genetics (formerly Invitae), Labcorp
Classification: Uncertain significance for Progressive sclerosing poliodystrophy. Last evaluated: 2023-05-30. Review status: criteria provided, single submitter. Criteria: Invitae Variant Classification Sherloc (09022015). Collection method: clinical testing. Allele origin: germline.
Comment: In summary, the available evidence is currently insufficient to determine the role of this variant in disease. Therefore, it has been classified as a Variant of Uncertain Significance. Advanced modeling of protein sequence and biophysical properties (such as structural, functional, and spatial information, amino acid conservation, physicochemical variation, residue mobility, and thermodynamic stability) performed at Invitae indicates that this missense variant is expected to disrupt POLG protein function. This variant has not been reported in the literature in individuals affected with POLG-related conditions. This variant is not present in population databases (gnomAD no frequency). This sequence change replaces glycine, which is neutral and non-polar, with alanine, which is neutral and non-polar, at codon 431 of the POLG protein (p.Gly431Ala).

NM_002693.3(POLG):c.1292G>C (p.Gly431Ala)

Gene: POLG (DNA polymerase gamma, catalytic subunit; minus strand). Cytogenetic location: 15q26.1.
Variant type: single nucleotide variant.
Coding change: c.1292G>C on transcript NM_002693.3 (MANE Select); coding-DNA position 1292, G replaced by C.
Protein change: p.Gly431Ala; replaces glycine 431 with alanine.
Molecular consequence: missense variant.
Genome position (GRCh38, 1-based): chr15:89,327,308, C>G on the plus strand (G>C on the coding strand, the complement: POLG is on the minus strand). VCF-style: chr15-89327308-C-G. GRCh37 (hg19) VCF-style: chr15-89870539-C-G.
Other names: c.1292G>C, p.Gly431Ala (NM_001126131.2); short protein forms G431A.
Identifiers: ClinVar variation 2750208 (VCV002750208.1), dbSNP rs2055535765, ClinGen allele CA393762659.